The following is an entry in ClinVar:

NM_005401.5(PTPN14):c.1712C>A (p.Pro571Gln)

Gene: PTPN14 (protein tyrosine phosphatase non-receptor type 14; minus strand). Cytogenetic location: 1q32.3.
Variant type: single nucleotide variant.
Coding change: c.1712C>A on transcript NM_005401.5 (MANE Select); coding-DNA position 1712, C replaced by A.
Protein change: p.Pro571Gln; replaces proline 571 with glutamine.
Molecular consequence: missense variant.
Genome position (GRCh38, 1-based): chr1:214,384,143, G>T on the plus strand (C>A on the coding strand, the complement: PTPN14 is on the minus strand). VCF-style: chr1-214384143-G-T. GRCh37 (hg19) VCF-style: chr1-214557486-G-T.
Other names: short protein forms P571Q.
Identifiers: ClinVar variation 2454414 (VCV002454414.3), dbSNP rs757838276, ClinGen allele CA1389047.

ClinVar aggregate classification (germline): Uncertain significance. Review status: criteria provided, multiple submitters, no conflicts (2 of 4 stars). 2 submissions from 2 submitters: Uncertain significance (2). Last evaluated 2025-02-28.

Conditions:
Lymphedema-posterior choanal atresia syndrome. Identifiers: Orphanet 99141, MedGen C3150875, MONDO:0013324, OMIM 613611.

Allele frequency attached by ClinVar (database versions not stated): gnomAD 0.00001; TOPMed 0.00002; ExAC 0.00003; gnomAD exomes 0.00004.
gnomAD v4.1: 50 of 1,577,530 alleles (0.0032%); highest among the groups gnomAD compares: Middle Eastern, 0.068%; no homozygotes.

Submissions (2):

Clinical Genomics Laboratory, Washington University in St. Louis
Classification: Uncertain significance for Lymphedema-posterior choanal atresia syndrome. Last evaluated: 2025-02-28. Review status: criteria provided, single submitter. Criteria: ACMG Guidelines, 2015. Collection method: clinical testing. Allele origin: germline.
Comment: A PTPN14 c.1712C>A (p.Pro571Gln) variant was identified at a near heterozygous allelic fraction of 47.7%, a frequency which may be consistent with germline origin. This variant, to our knowledge, has not been reported in the medical literature. It is only observed on 50/1,577,530 alleles in the general population (gnomAD v.4.1.0), indicating it is not a common variant. The PTPN14 c.1712C>A (p.Pro571Gln) variant has been reported in the ClinVar database as a germline variant of uncertain significance by a single submitter (ClinVar variation ID: 2454414). Computational predictors are uncertain as to the impact of this variant on PTPN14 function. Due to limited information, and based on ACMG/AMP guidelines for variant interpretation (Richards S et al., PMID: 25741868), the clinical significance of this variant is uncertain at this time.

Ambry Genetics
Classification: Uncertain significance. Last evaluated: 2023-02-10. Review status: criteria provided, single submitter. Criteria: Ambry Variant Classification Scheme 2023. Collection method: clinical testing. Allele origin: germline.